The following is an entry in ClinVar:

NM_004991.4(MECOM):c.1391C>T (p.Pro464Leu)

Gene: MECOM (MDS1 and EVI1 complex locus; minus strand). Cytogenetic location: 3q26.2.
Variant type: single nucleotide variant.
Coding change: c.1391C>T on transcript NM_004991.4 (MANE Select); coding-DNA position 1391, C replaced by T.
Protein change: p.Pro464Leu; replaces proline 464 with leucine.
Molecular consequence: missense variant. On other transcripts: intron variant (2).
Genome position (GRCh38, 1-based): chr3:169,116,481, G>A on the plus strand (C>T on the coding strand, the complement: MECOM is on the minus strand). VCF-style: chr3-169116481-G-A. GRCh37 (hg19) VCF-style: chr3-168834269-G-A.
Other names: c.1022C>T, p.Pro341Leu (NM_001105077.4); c.827C>T, p.Pro276Leu (NM_001105078.4, NM_001164000.2, NM_001205194.2 and 4 more transcripts); c.830C>T, p.Pro277Leu (NM_001163999.2, NM_001366467.2, NM_001366468.2 and 1 more transcripts); c.1391C>T, p.Pro464Leu (NM_001366466.2); c.1133-714C>T (NM_001366473.2); c.569-714C>T (NM_001366474.2); short protein forms P276L, P341L, P277L, P464L.
Identifiers: ClinVar variation 2354095 (VCV002354095.7), dbSNP rs533236543, ClinGen allele CA2696345.

ClinVar aggregate classification (germline): Uncertain significance. Review status: criteria provided, multiple submitters, no conflicts (2 of 4 stars). 3 submissions from 3 submitters: Uncertain significance (2). 1 of the submissions does not count toward it. Last evaluated 2025-11-05.

Conditions:
Inborn genetic diseases. Identifiers: MedGen C0950123, MeSH D030342.
MECOM-related disorder. Also called: MECOM-related condition.

Allele frequency attached by ClinVar (database versions not stated): 1000 Genomes Project 30x 0.00016; TOPMed below 0.00001; gnomAD 0.00003; gnomAD exomes 0.00004; 1000 Genomes Project 0.00020; ExAC 0.00008.
gnomAD v4.1: 69 of 1,614,138 alleles (0.0043%); highest among the groups gnomAD compares: South Asian, 0.055%; no homozygotes.

Submissions (3):

Labcorp Genetics (formerly Invitae), Labcorp
Classification: Uncertain significance. Last evaluated: 2025-11-05. Review status: criteria provided, single submitter. Criteria: Invitae Variant Classification Sherloc (09022015). Collection method: clinical testing. Allele origin: germline.
Comment: This sequence change replaces proline, which is neutral and non-polar, with leucine, which is neutral and non-polar, at codon 276 of the MECOM protein (p.Pro276Leu). This variant is present in population databases (rs533236543, gnomAD 0.06%), and has an allele count higher than expected for a pathogenic variant. This variant has not been reported in the literature in individuals affected with MECOM-related conditions. ClinVar contains an entry for this variant (Variation ID: 2354095). An algorithm developed to predict the effect of missense changes on protein structure and function (PolyPhen-2) suggests that this variant is likely to be tolerated. In summary, the available evidence is currently insufficient to determine the role of this variant in disease. Therefore, it has been classified as a Variant of Uncertain Significance.

Ambry Genetics
Classification: Uncertain significance for Inborn genetic diseases. Last evaluated: 2024-11-18. Review status: criteria provided, single submitter. Criteria: Ambry Variant Classification Scheme 2023. Collection method: clinical testing. Allele origin: germline.
Comment: The p.P464L variant (also known as c.1391C>T), located in coding exon 8 of the MECOM gene, results from a C to T substitution at nucleotide position 1391. The proline at codon 464 is replaced by leucine, an amino acid with similar properties. This amino acid position is conserved. In addition, this alteration is predicted to be tolerated by in silico analysis. Based on the available evidence, the clinical significance of this variant remains unclear.

PreventionGenetics, part of Exact Sciences
Classification: Likely benign for MECOM-related condition. Last evaluated: 2022-09-20. Review status: no assertion criteria provided. Collection method: clinical testing. Allele origin: germline. Not counted in ClinVar's aggregate classification.
Comment: This variant is classified as likely benign based on ACMG/AMP sequence variant interpretation guidelines (Richards et al. 2015 PMID: 25741868, with internal and published modifications).